The following is an entry in ClinVar:

NM_000138.5(FBN1):c.502T>G (p.Cys168Gly)

Gene: FBN1 (fibrillin 1; minus strand). Cytogenetic location: 15q21.1.
Variant type: single nucleotide variant.
Coding change: c.502T>G on transcript NM_000138.5 (MANE Select); coding-DNA position 502, T replaced by G.
Protein change: p.Cys168Gly; replaces cysteine 168 with glycine.
Molecular consequence: missense variant.
Genome position (GRCh38, 1-based): chr15:48,596,319, A>C on the plus strand (T>G on the coding strand, the complement: FBN1 is on the minus strand). VCF-style: chr15-48596319-A-C. GRCh37 (hg19) VCF-style: chr15-48888516-A-C.
Other names: c.502T>G, p.Cys168Gly (NM_001406716.1, NM_001406717.1); short protein forms C168G.
Identifiers: ClinVar variation 1325421 (VCV001325421.2), dbSNP rs2044515247, ClinGen allele CA392446299.

ClinVar aggregate classification (germline): Likely pathogenic (1 of 4 stars; one submission).

Conditions:
Marfan syndrome (MFS). Also called: Marfan syndrome type 1; Marfan's syndrome; FBN1-Related Marfan Syndrome; MARFAN SYNDROME, TYPE I; Marfan syndrome, classic. Identifiers: Orphanet 284963, Orphanet 558, MedGen C0024796, MONDO:0007947, OMIM 154700.

Submission:

Centre of Medical Genetics, University of Antwerp
Classification: Likely pathogenic for Marfan syndrome. Last evaluated: 2021-03-01. Review status: criteria provided, single submitter. Criteria: Submitter's publication. Collection method: research. Allele origin: unknown. Affected: yes.
Comment: PM2, PM7, PM5, PP4